The following is an entry in ClinVar:

NM_004393.6(DAG1):c.556G>T (p.Glu186Ter)

Gene: DAG1 (dystroglycan 1; plus strand). Cytogenetic location: 3p21.31.
Variant type: single nucleotide variant.
Coding change: c.556G>T on transcript NM_004393.6 (MANE Select); coding-DNA position 556, G replaced by T.
Protein change: p.Glu186Ter; replaces glutamic acid 186 with a stop codon.
Molecular consequence: nonsense.
Genome position (GRCh38, 1-based): chr3:49,531,067, G>T. VCF-style: chr3-49531067-G-T. GRCh37 (hg19) VCF-style: chr3-49568500-G-T.
Other names: c.556G>T, p.Glu186Ter (NM_001165928.4, NM_001177634.3, NM_001177635.3 and 9 more transcripts); short protein forms E186*.
Identifiers: ClinVar variation 817528 (VCV000817528.2), dbSNP rs1575410562, ClinGen allele CA352793570.

ClinVar aggregate classification (germline): Likely pathogenic (1 of 4 stars; one submission).

Submission:

GeneDx
Classification: Likely pathogenic. Last evaluated: 2019-01-30. Review status: criteria provided, single submitter. Criteria: GeneDx Variant Classification (06012015). Collection method: clinical testing. Allele origin: germline. Affected: yes.
Comment: A variant that is likely pathogenic has been identified in the DAG1 gene. The E186X variant has not been published as a pathogenic variant, nor has it been reported as a benign variant to our knowledge. The E186X nonsense variant is predicted to cause loss of normal protein function through protein truncation as the last 710 amino acids of the the DAG1 protein are lost. The E186X variant is not observed in large population cohorts (Lek et al., 2016). Therefore, this variant is likely pathogenic; however, the possibility that it is benign cannot be excluded.